The following is an entry in ClinVar:

NM_030912.3(TRIM8):c.886G>A (p.Val296Ile)

Gene: TRIM8 (tripartite motif containing 8; plus strand). Cytogenetic location: 10q24.32.
Variant type: single nucleotide variant.
Coding change: c.886G>A on transcript NM_030912.3 (MANE Select); coding-DNA position 886, G replaced by A.
Protein change: p.Val296Ile; replaces valine 296 with isoleucine.
Molecular consequence: missense variant. On other transcripts: non-coding transcript variant (1).
Genome position (GRCh38, 1-based): chr10:102,655,299, G>A. VCF-style: chr10-102655299-G-A. GRCh37 (hg19) VCF-style: chr10-104415056-G-A.
Other names: c.790G>A, p.Val264Ile (NM_001345950.1); short protein forms V264I, V296I.
Identifiers: ClinVar variation 4822983 (VCV004822983.4).

ClinVar aggregate classification (germline): Uncertain significance (1 of 4 stars; one submission).

Submission:

CeGaT Center for Human Genetics Tuebingen
Classification: Uncertain significance. Last evaluated: 2026-01-01. Review status: criteria provided, single submitter. Criteria: CeGaT Center For Human Genetics Tuebingen Variant Classification Criteria Version 2. Collection method: clinical testing. Allele origin: germline. Affected: yes. Observed: 1 variant allele.
Comment: TRIM8: PM2, BP4